The following is an entry in ClinVar:

NM_001253697.2(ERBIN):c.2072T>C (p.Ile691Thr)

Gene: ERBIN (erbb2 interacting protein; plus strand). Cytogenetic location: 5q12.3.
Variant type: single nucleotide variant.
Coding change: c.2072T>C on transcript NM_001253697.2 (MANE Select); coding-DNA position 2072, T replaced by C.
Protein change: p.Ile691Thr; replaces isoleucine 691 with threonine.
Molecular consequence: missense variant.
Genome position (GRCh38, 1-based): chr5:66,050,951, T>C. VCF-style: chr5-66050951-T-C. GRCh37 (hg19) VCF-style: chr5-65346779-T-C.
Other names: c.2072T>C, p.Ile691Thr (NM_001006600.3, NM_001253698.2, NM_001253699.2 and 1 more transcripts); c.2060T>C, p.Ile687Thr (NM_001253701.2); short protein forms I687T, I691T.
Identifiers: ClinVar variation 1046954 (VCV001046954.7), dbSNP rs150412505, ClinGen allele CA3286414.

ClinVar aggregate classification (germline): Uncertain significance (1 of 4 stars; one submission).

Allele frequency attached by ClinVar (database versions not stated): gnomAD exomes 0.00004 and 0.00010; ExAC 0.00009; ESP Exome Variant Server 0.00015; gnomAD 0.00034 and 0.00041; TOPMed 0.00045; 1000 Genomes Project 0.00060; 1000 Genomes Project 30x 0.00078.

Submission:

Labcorp Genetics (formerly Invitae), Labcorp
Classification: Uncertain significance. Last evaluated: 2025-06-12. Review status: criteria provided, single submitter. Criteria: Invitae Variant Classification Sherloc (09022015). Collection method: clinical testing. Allele origin: germline.
Comment: This sequence change replaces isoleucine, which is neutral and non-polar, with threonine, which is neutral and polar, at codon 691 of the ERBIN protein (p.Ile691Thr). This variant is present in population databases (rs150412505, gnomAD 0.1%), and has an allele count higher than expected for a pathogenic variant. This variant has not been reported in the literature in individuals affected with ERBIN-related conditions. ClinVar contains an entry for this variant (Variation ID: 1046954). An algorithm developed to predict the effect of missense changes on protein structure and function outputs the following: PolyPhen-2: "Benign". The threonine amino acid residue is found in multiple mammalian species, which suggests that this missense change does not adversely affect protein function. In summary, the available evidence is currently insufficient to determine the role of this variant in disease. Therefore, it has been classified as a Variant of Uncertain Significance.